The following is an entry in ClinVar:

ClinVar aggregate classification (germline): Uncertain significance (1 of 4 stars; one submission).

Submission:

Labcorp Genetics (formerly Invitae), Labcorp
Classification: Uncertain significance. Last evaluated: 2022-02-05. Review status: criteria provided, single submitter. Criteria: Invitae Variant Classification Sherloc (09022015). Collection method: clinical testing. Allele origin: germline.
Comment: This sequence change replaces isoleucine, which is neutral and non-polar, with valine, which is neutral and non-polar, at codon 271 of the CNGB3 protein (p.Ile271Val). This variant is not present in population databases (gnomAD no frequency). This variant has not been reported in the literature in individuals affected with CNGB3-related conditions. ClinVar contains an entry for this variant (Variation ID: 841764). Advanced modeling of protein sequence and biophysical properties (such as structural, functional, and spatial information, amino acid conservation, physicochemical variation, residue mobility, and thermodynamic stability) performed at Invitae indicates that this missense variant is not expected to disrupt CNGB3 protein function. In summary, the available evidence is currently insufficient to determine the role of this variant in disease. Therefore, it has been classified as a Variant of Uncertain Significance.

NM_019098.5(CNGB3):c.811A>G (p.Ile271Val)

Gene: CNGB3 (cyclic nucleotide gated channel subunit beta 3; minus strand). Cytogenetic location: 8q21.3.
Variant type: single nucleotide variant.
Coding change: c.811A>G on transcript NM_019098.5 (MANE Select); coding-DNA position 811, A replaced by G.
Protein change: p.Ile271Val; replaces isoleucine 271 with valine.
Molecular consequence: missense variant.
Genome position (GRCh38, 1-based): chr8:86,666,966, T>C on the plus strand (A>G on the coding strand, the complement: CNGB3 is on the minus strand). VCF-style: chr8-86666966-T-C. GRCh37 (hg19) VCF-style: chr8-87679194-T-C.
Other names: short protein forms I271V.
Identifiers: ClinVar variation 841764 (VCV000841764.5), dbSNP rs1823751420, ClinGen allele CA371449327.
Genomic context (GRCh38, chr8:86,666,966, plus strand): 5'-TTTCCCGAACCCCACTTACTATTATGTCTCCTCCTCTTACAAACTGGAGTCTGGGCTGGA[T>C]AAATAGCATATCATAAAGGTAGATGATATCACATATGATGTCCGCAATAAGCCAGTAGTG-3'
Protein context (NP_061971.3, residues 261-281): DIIYLYDMLF[Ile271Val]QPRLQFVRGG